The following is an entry in ClinVar:

NM_006005.3(WFS1):c.2012C>T (p.Ala671Val)

Gene: WFS1 (wolframin ER transmembrane glycoprotein; plus strand). Cytogenetic location: 4p16.1.
Variant type: single nucleotide variant.
Coding change: c.2012C>T on transcript NM_006005.3 (MANE Select); coding-DNA position 2012, C replaced by T.
Protein change: p.Ala671Val; replaces alanine 671 with valine.
Molecular consequence: missense variant.
Genome position (GRCh38, 1-based): chr4:6,301,807, C>T. VCF-style: chr4-6301807-C-T. GRCh37 (hg19) VCF-style: chr4-6303534-C-T.
Other names: c.2012C>T, p.Ala671Val (NM_001145853.1); short protein forms A671V.
Identifiers: ClinVar variation 45445 (VCV000045445.53), dbSNP rs71530907, ClinGen allele CA136344.
Genomic context (GRCh38, chr4:6,301,807, plus strand): 5'-TGTACCGCTCAGAGGGCATGAAGGTCTACAACTCCACACTGACCTGGCAGCAGTATGGTG[C>T]GCTGTGCGGGCCACGCGCCTGGAAGGAGACCAACATGGCGCGCACCCAGATCCTCTGCAG-3'
Protein context (NP_005996.2, residues 661-681): NSTLTWQQYG[Ala671Val]LCGPRAWKET

ClinVar aggregate classification (germline): Benign/Likely benign. Review status: criteria provided, multiple submitters, no conflicts (2 of 4 stars). 11 submissions from 10 submitters: Benign (8); Likely benign (3). Last evaluated 2026-07-01.

Conditions:
Monogenic diabetes. Identifiers: Orphanet 183625, MedGen C3888631, MONDO:0015967.
WFS1-Related Spectrum Disorders.
Wolfram syndrome 1 (WFS1). Identifiers: Orphanet 3463, MedGen C4551693, MONDO:0009101, OMIM 222300.
Autosomal dominant nonsyndromic hearing loss 6 (LFSNHL). Also called: Autosomal dominant nonsyndromic deafness 6; DEAFNESS, AUTOSOMAL DOMINANT 14; DEAFNESS, AUTOSOMAL DOMINANT 38; DEAFNESS, AUTOSOMAL DOMINANT 6. Identifiers: Orphanet 90635, MedGen C1833021, MONDO:0010963, OMIM 600965.

Allele frequency attached by ClinVar (database versions not stated): gnomAD exomes 0.00608; ExAC 0.00704; 1000 Genomes Project 0.01198; gnomAD 0.00179 and 0.00021; ESP Exome Variant Server 0.00008; TOPMed 0.00044; 1000 Genomes Project 30x 0.01124.
gnomAD v4.1: 4,514 of 1,613,206 alleles (0.28%); highest among the groups gnomAD compares: South Asian, 4.5%; 153 homozygotes.

Submissions (11):

CeGaT Center for Human Genetics Tuebingen
Classification: Benign. Last evaluated: 2026-07-01. Review status: criteria provided, single submitter. Criteria: CeGaT Center For Human Genetics Tuebingen Variant Classification Criteria Version 2. Collection method: clinical testing. Allele origin: germline. Affected: yes. Observed: 5 variant alleles.
Comment: WFS1: BS1, BS2

Labcorp Genetics (formerly Invitae), Labcorp
Classification: Benign. Last evaluated: 2026-02-01. Review status: criteria provided, single submitter. Criteria: Invitae Variant Classification Sherloc (09022015). Collection method: clinical testing. Allele origin: germline.

Mayo Clinic Laboratories, Mayo Clinic
Classification: Benign. Last evaluated: 2025-07-14. Review status: criteria provided, single submitter. Criteria: ACMG Guidelines, 2015. Collection method: clinical testing. Allele origin: germline. Observed: 4 variant alleles.
Comment: BA1

ARUP Laboratories, Molecular Genetics and Genomics, ARUP Laboratories
Classification: Benign. Last evaluated: 2018-03-02. Review status: criteria provided, single submitter. Criteria: ARUP Molecular Germline Variant Investigation Process. Collection method: clinical testing. Allele origin: germline.

Personalized Diabetes Medicine Program, University of Maryland School of Medicine
Classification: Benign for Monogenic diabetes. Last evaluated: 2017-11-10. Review status: criteria provided, single submitter. Criteria: ACMG Guidelines, 2015. Collection method: research. Allele origin: unknown. Observed: 3 variant alleles, 3 heterozygotes.
Comment: ACMG criteria: PP3 (3 predictors), BP4 (7 predictors), BS2 (140 cases and 135 controls in an online resource), BS1 (6% South Asian)=Benign

Illumina Laboratory Services, Illumina
Classification: Likely benign for Autosomal dominant nonsyndromic hearing loss 6. Last evaluated: 2017-04-27. Review status: criteria provided, single submitter. Criteria: ICSL Variant Classification Criteria 13 December 2019. Collection method: clinical testing. Allele origin: germline.
Comment: This variant was observed as part of a predisposition screen in an ostensibly healthy population. A literature search was performed for the gene, cDNA change, and amino acid change (where applicable). Publications were found based on this search. The evidence from the literature, in combination with allele frequency data from public databases where available, was sufficient to determine this variant is unlikely to cause disease. Therefore, this variant is classified as likely benign.

Illumina Laboratory Services, Illumina
Classification: Likely benign for WFS1-Related Spectrum Disorders. Last evaluated: 2017-04-27. Review status: criteria provided, single submitter. Criteria: ICSL Variant Classification Criteria 13 December 2019. Collection method: clinical testing. Allele origin: germline.
Comment: the same text as in the submission from Illumina Laboratory Services, Illumina above.

Laboratory for Molecular Medicine, Mass General Brigham Personalized Medicine
Classification: Benign. Last evaluated: 2016-01-26. Review status: criteria provided, single submitter. Criteria: LMM Criteria. Collection method: clinical testing. Allele origin: germline. Observed: 7 variant alleles.
Comment: p.Ala671Val in Exon 8 of WFS1: This variant is not expected to have clinical si gnificance because it has been identified in 5% (832/16512) of South Asian chro mosomes by the Exome Aggregation Consortium (ExAC, g; dbSNP rs71530907).

GeneDx
Classification: Benign. Last evaluated: 2015-06-19. Review status: criteria provided, single submitter. Criteria: GeneDx Variant Classification (06012015). Collection method: clinical testing. Allele origin: germline. Affected: yes.
Comment: This variant is considered likely benign or benign based on one or more of the following criteria: it is a conservative change, it occurs at a poorly conserved position in the protein, it is predicted to be benign by multiple in silico algorithms, and/or has population frequency not consistent with disease.

Breakthrough Genomics
Classification: Likely benign. Review status: criteria provided, single submitter. Criteria: ACMG Guidelines, 2015. Collection method: not provided. Allele origin: germline. Inheritance: Autosomal recessive inheritance. Affected: yes.

Clinical Genomics, Uppaluri K&H Personalized Medicine Clinic
Classification: Benign for Wolfram syndrome 1. Review status: criteria provided, single submitter. Criteria: K & H Uppaluri Personalized Medicine Clinic Variant Classification & Assertion Criteria_Updated V.1. Collection method: research. Allele origin: unknown. Inheritance: Autosomal recessive inheritance.
Comment: Potent mutations in WFS1 gene are associated with Wolfram's syndrome, an autosomal recessive condition, which cause diabetes mellitus, diabetes insipidus, deafness and optic atrophy.However no sufficient evidence is found to ascertain the role of this particular variant rs71530907 yet.

Literature cited by the submitters: PubMed 15277431 (cited by Illumina Laboratory Services, Illumina); PubMed 11920861 (cited by Illumina Laboratory Services, Illumina); PubMed 20738327 (cited by Clinical Genomics, Uppaluri K&H Personalized Medicine Clinic); PubMed 33879153 (cited by Clinical Genomics, Uppaluri K&H Personalized Medicine Clinic); PubMed 12955714 (cited by Clinical Genomics, Uppaluri K&H Personalized Medicine Clinic); PubMed 18060660 (cited by Clinical Genomics, Uppaluri K&H Personalized Medicine Clinic); PubMed 20301750 (cited by Clinical Genomics, Uppaluri K&H Personalized Medicine Clinic); PubMed 17603484 (cited by Clinical Genomics, Uppaluri K&H Personalized Medicine Clinic).